The following is an entry in ClinVar:

NM_000153.4(GALC):c.2T>C (p.Met1Thr)

Gene: GALC (galactosylceramidase; minus strand). Cytogenetic location: 14q31.3.
Variant type: single nucleotide variant.
Coding change: c.2T>C on transcript NM_000153.4 (MANE Select); coding-DNA position 2, T replaced by C.
Protein change: p.Met1Thr; changes the start codon (methionine 1).
Molecular consequence: missense variant, initiator codon variant. On other transcripts: intron variant (1).
Genome position (GRCh38, 1-based): chr14:87,993,163, A>G on the plus strand (T>C on the coding strand, the complement: GALC is on the minus strand). VCF-style: chr14-87993163-A-G. GRCh37 (hg19) VCF-style: chr14-88459507-A-G.
Other names: c.2T>C, p.Met1Thr (NM_001201401.2); c.117+220T>C (NM_001201402.2); short protein forms M1T.
Identifiers: ClinVar variation 554270 (VCV000554270.4), dbSNP rs780972896, ClinGen allele CA390772185.
Genomic context (GRCh38, chr14:87,993,163, plus strand): 5'-GCGGCCGCAGTCATAGCTTTCGCTCGGCGTTGCCAGGAAGCCGAGAGTAGCCACTCAGCC[A>G]TTGTGTGGGTCACATGACTCCGGCGCCCAGGGAGGCGGGTCCCGTCGCCGCCACGATAGA-3'
Protein context (NP_000144.2, residues 1-11): [Met1Thr]AEWLLSASWQ

ClinVar aggregate classification (germline): Uncertain significance. Review status: criteria provided, single submitter (1 of 4 stars). 2 submissions from 2 submitters: Uncertain significance (1). 1 of the submissions does not count toward it. Last evaluated 2025-05-16.

Conditions:
Galactosylceramide beta-galactosidase deficiency. Also called: GALACTOCEREBROSIDASE DEFICIENCY; GALC DEFICIENCY; GLOBOID CELL LEUKOENCEPHALOPATHY; Leukodystrophy, Globoid Cell; Krabbe Disease. Identifiers: Orphanet 487, MedGen C0023521, MONDO:0009499, OMIM 245200.

Submissions (2):

GeneDx
Classification: Uncertain significance. Last evaluated: 2025-05-16. Review status: criteria provided, single submitter. Criteria: GeneDx Variant Classification Process June 2021. Collection method: clinical testing. Allele origin: germline. Affected: yes.
Comment: Not observed at significant frequency in large population cohorts (gnomAD); Initiation codon variant predicted to alter the protein; however, a downstream in-frame Methionine residue could serve as an alternate initiator codon; Has not been previously published as pathogenic or benign to our knowledge

Counsyl
Classification: Likely pathogenic for Galactosylceramide beta-galactosidase deficiency. Last evaluated: 2017-10-11. Review status: no assertion criteria provided. Collection method: clinical testing. Allele origin: unknown. Not counted in ClinVar's aggregate classification.

Literature cited by the submitters: PubMed 20886637 (cited by Counsyl); PubMed 8281145 (cited by Counsyl).